The following is an entry in ClinVar:

NM_080860.4(RSPH1):c.877+7T>A

Gene: RSPH1 (radial spoke head component 1; minus strand). Cytogenetic location: 21q22.3.
Variant type: single nucleotide variant.
Coding change: c.877+7T>A on transcript NM_080860.4 (MANE Select); 7 bases into the intron after coding-DNA position 877, T replaced by A.
Molecular consequence: intron variant.
Genome position (GRCh38, 1-based): chr21:42,475,891, A>T on the plus strand (T>A on the coding strand, the complement: RSPH1 is on the minus strand). VCF-style: chr21-42475891-A-T. GRCh37 (hg19) VCF-style: chr21-43896001-A-T.
Other names: c.763+7T>A (NM_001286506.2).
Identifiers: ClinVar variation 698289 (VCV000698289.20), dbSNP rs116369489, ClinGen allele CA10043722.

ClinVar aggregate classification (germline): Benign/Likely benign. Review status: criteria provided, multiple submitters, no conflicts (2 of 4 stars). 4 submissions from 4 submitters: Benign (1); Likely benign (3). Last evaluated 2026-02-04.

Conditions:
Primary ciliary dyskinesia. Also called: Ciliary dyskinesia. Identifiers: Orphanet 244, MedGen C0008780, MONDO:0016575, HP:0012265.
RSPH1-related disorder. Also called: RSPH1-related condition.
Primary ciliary dyskinesia 24 (CILD24). Also called: CILIARY DYSKINESIA, PRIMARY, 24, WITHOUT SITUS INVERSUS. Identifiers: Orphanet 244, MedGen C3809634, MONDO:0014202, OMIM 615481.

Allele frequency attached by ClinVar (database versions not stated): TOPMed 0.00085; 1000 Genomes Project 0.00120; 1000 Genomes Project 30x 0.00141; gnomAD exomes 0.00007 and 0.00020; ExAC 0.00024; gnomAD 0.00076 and 0.00080; ESP Exome Variant Server 0.00085.

Submissions (4):

PreventionGenetics, part of Exact Sciences
Classification: Likely benign for RSPH1-related condition. Last evaluated: 2026-02-04. Review status: criteria provided, single submitter. Criteria: ACMG Guidelines, 2015. Collection method: clinical testing. Allele origin: germline.
Comment: This variant is classified as likely benign based on ACMG/AMP sequence variant interpretation guidelines (Richards et al. 2015 PMID: 25741868, with internal and published modifications).

Labcorp Genetics (formerly Invitae), Labcorp
Classification: Benign for Primary ciliary dyskinesia. Last evaluated: 2025-07-24. Review status: criteria provided, single submitter. Criteria: Invitae Variant Classification Sherloc (09022015). Collection method: clinical testing. Allele origin: germline.

Blueprint Genetics
Classification: Likely benign. Last evaluated: 2024-01-22. Review status: criteria provided, single submitter. Criteria: ACMG Guidelines, 2015. Collection method: clinical testing. Allele origin: germline.

ARUP Laboratories, Molecular Genetics and Genomics, ARUP Laboratories
Classification: Likely benign for Primary ciliary dyskinesia 24. Last evaluated: 2022-01-31. Review status: criteria provided, single submitter. Criteria: ARUP Molecular Germline Variant Investigation Process 2021. Collection method: clinical testing. Allele origin: germline.